The following is an entry in ClinVar:

ClinVar aggregate classification (germline): Benign. Review status: criteria provided, multiple submitters, no conflicts (2 of 4 stars). 2 submissions from 2 submitters: Benign (2). Last evaluated 2018-06-14.

Allele frequency attached by ClinVar (database versions not stated): TOPMed 0.07540; 1000 Genomes Project 0.07608; 1000 Genomes Project 30x 0.07730; ESP Exome Variant Server 0.08576; gnomAD 0.08745 and 0.08865; gnomAD exomes 0.11518 and 0.11662; ExAC 0.15487.
gnomAD v4.1: 173,682 of 1,529,712 alleles (11%); highest among the groups gnomAD compares: East Asian, 12%; 10,555 homozygotes.

Submissions (2):

GeneDx
Classification: Benign. Last evaluated: 2018-06-14. Review status: criteria provided, single submitter. Criteria: GeneDx Variant Classification (06012015). Collection method: clinical testing. Allele origin: germline. Affected: yes.
Comment: This variant is considered likely benign or benign based on one or more of the following criteria: it is a conservative change, it occurs at a poorly conserved position in the protein, it is predicted to be benign by multiple in silico algorithms, and/or has population frequency not consistent with disease.

Breakthrough Genomics
Classification: Benign. Review status: criteria provided, single submitter. Criteria: ACMG Guidelines, 2015. Collection method: not provided. Allele origin: germline. Inheritance: Autosomal recessive inheritance. Affected: yes.

NM_001377.3(DYNC2H1):c.5151+21A>C

Gene: DYNC2H1 (dynein cytoplasmic 2 heavy chain 1; plus strand). Cytogenetic location: 11q22.3.
Variant type: single nucleotide variant.
Coding change: c.5151+21A>C on transcript NM_001377.3 (MANE Select); 21 bases into the intron after coding-DNA position 5151, A replaced by C.
Molecular consequence: intron variant.
Genome position (GRCh38, 1-based): chr11:103,170,311, A>C. VCF-style: chr11-103170311-A-C. GRCh37 (hg19) VCF-style: chr11-103041040-A-C.
Other names: c.5151+21A>C (NM_001080463.2).
Identifiers: ClinVar variation 675073 (VCV000675073.2), dbSNP rs12576037, ClinGen allele CA6253699.